The following is an entry in ClinVar:

ClinVar aggregate classification (germline): Likely benign. Review status: criteria provided, multiple submitters, no conflicts (2 of 4 stars). 3 submissions from 3 submitters: Likely benign (3). Last evaluated 2025-07-01.

Conditions:
Gorlin syndrome. Also called: Basal cell nevus syndrome; Nevoid Basal Cell Carcinoma Syndrome. Identifiers: Orphanet 377, MedGen C0004779, MONDO:0007187.

Allele frequency attached by ClinVar (database versions not stated): gnomAD exomes below 0.00001; ExAC 0.00001; TOPMed 0.00001; gnomAD 0.00002; ESP Exome Variant Server 0.00008.
gnomAD v4.1: 9 of 1,614,052 alleles (0.00056%); highest among the groups gnomAD compares: Non-Finnish European, 0.00076%; no homozygotes.

Submissions (3):

CeGaT Center for Human Genetics Tuebingen
Classification: Likely benign. Last evaluated: 2025-07-01. Review status: criteria provided, single submitter. Criteria: CeGaT Center For Human Genetics Tuebingen Variant Classification Criteria Version 2. Collection method: clinical testing. Allele origin: germline. Affected: yes. Observed: 2 variant alleles.
Comment: PTCH2: BP4, BP7

Labcorp Genetics (formerly Invitae), Labcorp
Classification: Likely benign for Gorlin syndrome. Last evaluated: 2024-04-29. Review status: criteria provided, single submitter. Criteria: Invitae Variant Classification Sherloc (09022015). Collection method: clinical testing. Allele origin: germline.

Blueprint Genetics
Classification: Likely benign. Last evaluated: 2020-09-04. Review status: criteria provided, single submitter. Criteria: ACMG Guidelines, 2015. Collection method: clinical testing. Allele origin: germline.

NM_003738.5(PTCH2):c.2206C>T (p.Leu736=)

Gene: PTCH2 (patched 2; minus strand). Cytogenetic location: 1p34.1.
Variant type: single nucleotide variant.
Coding change: c.2206C>T on transcript NM_003738.5 (MANE Select); coding-DNA position 2206, C replaced by T.
Protein change: p.Leu736=; no amino-acid change (leucine 736 retained).
Molecular consequence: synonymous variant.
Genome position (GRCh38, 1-based): chr1:44,827,567, G>A on the plus strand (C>T on the coding strand, the complement: PTCH2 is on the minus strand). VCF-style: chr1-44827567-G-A. GRCh37 (hg19) VCF-style: chr1-45293239-G-A.
Other names: c.2206C>T, p.Leu736= (NM_001166292.2).
Identifiers: ClinVar variation 2638780 (VCV002638780.28), dbSNP rs375103664, ClinGen allele CA823081.